The following is an entry in ClinVar:

ClinVar aggregate classification (germline): Uncertain significance (1 of 4 stars; one submission).

gnomAD v4.1: 2 of 1,553,328 alleles (0.00013%); highest among the groups gnomAD compares: East Asian, 0.0048%; no homozygotes.

Submission:

Labcorp Genetics (formerly Invitae), Labcorp
Classification: Uncertain significance. Last evaluated: 2024-09-14. Review status: criteria provided, single submitter. Criteria: Invitae Variant Classification Sherloc (09022015). Collection method: clinical testing. Allele origin: germline.
Comment: This sequence change falls in intron 8 of the PLEKHM2 gene. It does not directly change the encoded amino acid sequence of the PLEKHM2 protein. It affects a nucleotide within the consensus splice site. This variant is not present in population databases (gnomAD no frequency). This variant has not been reported in the literature in individuals affected with PLEKHM2-related conditions. Variants that disrupt the consensus splice site are a relatively common cause of aberrant splicing (PMID: 17576681, 9536098). Algorithms developed to predict the effect of sequence changes on RNA splicing suggest that this variant is not likely to affect RNA splicing. In summary, the available evidence is currently insufficient to determine the role of this variant in disease. Therefore, it has been classified as a Variant of Uncertain Significance.

Literature cited by the submitters: PubMed 17576681; PubMed 9536098.

NM_015164.4(PLEKHM2):c.941+4A>G

Gene: PLEKHM2 (pleckstrin homology and RUN domain containing M2; plus strand). Cytogenetic location: 1p36.21.
Variant type: single nucleotide variant.
Coding change: c.941+4A>G on transcript NM_015164.4 (MANE Select); 4 bases into the intron after coding-DNA position 941, A replaced by G.
Molecular consequence: intron variant.
Genome position (GRCh38, 1-based): chr1:15,725,549, A>G. VCF-style: chr1-15725549-A-G. GRCh37 (hg19) VCF-style: chr1-16052044-A-G.
Other names: c.881+4A>G (NM_001410755.1).
Identifiers: ClinVar variation 3717038 (VCV003717038.2).
Genomic context (GRCh38, chr1:15,725,549, plus strand): 5'-GGAGGAGGCCCAGGCCCTGGACCCGCCGGATGCCTGCACGGAGCTCGAGGTCATCAGGTC[A>G]GCAGGGAGGGGCCCAGAAAGGAGCTGAGGTCCTGGGGTCCAACCTGTCCACTCCCAGCAT-3'